The following is an entry in ClinVar:

NM_000062.3(SERPING1):c.101del (p.Pro34fs)

Gene: SERPING1 (serpin family G member 1; plus strand). Cytogenetic location: 11q12.1.
Variant type: Deletion.
Coding change: c.101del on transcript NM_000062.3 (MANE Select); coding-DNA position 101, one base deleted (C; older notation c.101delC).
Protein change: p.Pro34fs; shifts the reading frame from proline 34.
Molecular consequence: frameshift variant.
Genome position (GRCh38, 1-based): chr11:57,599,928, C deleted; the last of 2 consecutive C bases (chr11:57,599,927-57,599,928); deleting either gives the same sequence. VCF-style (leftmost placement, unchanged base first): chr11-57599926-TC-T. GRCh37 (hg19) VCF-style: chr11-57367399-TC-T.
Other names: c.101del, p.Pro34fs (NM_001032295.2); short protein forms P34fs.
Identifiers: ClinVar variation 3644650 (VCV003644650.2).

ClinVar aggregate classification (germline): Pathogenic (1 of 4 stars; one submission).

Submission:

Labcorp Genetics (formerly Invitae), Labcorp
Classification: Pathogenic. Last evaluated: 2024-03-05. Review status: criteria provided, single submitter. Criteria: Invitae Variant Classification Sherloc (09022015). Collection method: clinical testing. Allele origin: germline.
Comment: This sequence change creates a premature translational stop signal (p.Pro34Glnfs*45) in the SERPING1 gene. It is expected to result in an absent or disrupted protein product. Loss-of-function variants in SERPING1 are known to be pathogenic (PMID: 11112899, 24456027). This variant is not present in population databases (gnomAD no frequency). This variant has not been reported in the literature in individuals affected with SERPING1-related conditions. Algorithms developed to predict the effect of sequence changes on RNA splicing suggest that this variant may disrupt the consensus splice site. For these reasons, this variant has been classified as Pathogenic.

Literature cited by the submitters: PubMed 11112899; PubMed 24456027.